The following is an entry in ClinVar:

ClinVar aggregate classification (germline): Pathogenic (1 of 4 stars; one submission).

Submission:

Labcorp Genetics (formerly Invitae), Labcorp
Classification: Pathogenic. Last evaluated: 2021-05-28. Review status: criteria provided, single submitter. Criteria: Invitae Variant Classification Sherloc (09022015). Collection method: clinical testing. Allele origin: germline.
Comment: For these reasons, this variant has been classified as Pathogenic. Algorithms developed to predict the effect of sequence changes on RNA splicing suggest that this variant may disrupt the consensus splice site, but this prediction has not been confirmed by published transcriptional studies. Disruption of this splice site has been observed in individual(s) with Hermansky-Pudlak syndrome (PMID: 27593200). In at least one individual the data is consistent with the variant being in trans (on the opposite chromosome) from a pathogenic variant. This variant is not present in population databases (ExAC no frequency). This sequence change affects a donor splice site in intron 2 of the HPS3 gene. It is expected to disrupt RNA splicing. Variants that disrupt the donor or acceptor splice site typically lead to a loss of protein function (PMID: 16199547), and loss-of-function variants in HPS3 are known to be pathogenic (PMID: 11590544).

Literature cited by the submitters: PubMed 27593200; PubMed 16199547; PubMed 11590544.

NM_032383.5(HPS3):c.712+2T>A

Gene: HPS3 (HPS3 biogenesis of lysosomal organelles complex 2 subunit 1; plus strand). Cytogenetic location: 3q24.
Variant type: single nucleotide variant.
Coding change: c.712+2T>A on transcript NM_032383.5 (MANE Select); the canonical splice donor site of the intron after coding-DNA position 712, T replaced by A.
Molecular consequence: splice donor variant. On other transcripts: intron variant (1).
Genome position (GRCh38, 1-based): chr3:149,140,500, T>A. VCF-style: chr3-149140500-T-A. GRCh37 (hg19) VCF-style: chr3-148858287-T-A.
Other names: c.218-517T>A (NM_001308258.2).
Identifiers: ClinVar variation 1453948 (VCV001453948.8), dbSNP rs2108128944, ClinGen allele CA354912889.